The following is an entry in ClinVar:

NM_000540.3(RYR1):c.10019-13C>T

Gene: RYR1 (ryanodine receptor 1; plus strand). Cytogenetic location: 19q13.2.
Variant type: single nucleotide variant.
Coding change: c.10019-13C>T on transcript NM_000540.3 (MANE Select); 13 bases into the intron before coding-DNA position 10019, C replaced by T.
Molecular consequence: intron variant.
Genome position (GRCh38, 1-based): chr19:38,519,201, C>T. VCF-style: chr19-38519201-C-T. GRCh37 (hg19) VCF-style: chr19-39009841-C-T.
Other names: c.10019-13C>T (NM_001042723.2).
Identifiers: ClinVar variation 383217 (VCV000383217.11), dbSNP rs145359160, ClinGen allele CA052124.

ClinVar aggregate classification (germline): Likely benign. Review status: criteria provided, multiple submitters, no conflicts (2 of 4 stars). 4 submissions from 4 submitters: Likely benign (4). Last evaluated 2026-01-28.

Conditions:
RYR1-related disorder. Also called: RYR1-related condition; RYR1-related disorders. Identifiers: MedGen CN239331.
Malignant hyperthermia, susceptibility to, 1 (MHS1). Also called: Anesthesia related hyperthermia; Malignant hyperpyrexia; Fulminating hyperpyrexia; Pharmacogenic myopathy; RYR1-Related Malignant Hyperthermia Susceptibility; Malignant hyperthermia suceptibility 1. Identifiers: Orphanet 423, MedGen C2930980, MONDO:0007783, OMIM 145600.

Allele frequency attached by ClinVar (database versions not stated): gnomAD exomes 0.00002 and 0.00005; ExAC 0.00006; gnomAD 0.00015 and 0.00016; 1000 Genomes Project 30x 0.00016; TOPMed 0.00019; 1000 Genomes Project 0.00020; ESP Exome Variant Server 0.00038.
gnomAD v4.1: 53 of 1,614,060 alleles (0.0033%); highest among the groups gnomAD compares: African/African-American, 0.053%; no homozygotes.

Submissions (4):

Labcorp Genetics (formerly Invitae), Labcorp
Classification: Likely benign for RYR1-related disorder. Last evaluated: 2026-01-28. Review status: criteria provided, single submitter. Criteria: Invitae Variant Classification Sherloc (09022015). Collection method: clinical testing. Allele origin: germline.

Blueprint Genetics
Classification: Likely benign. Last evaluated: 2023-12-22. Review status: criteria provided, single submitter. Criteria: ACMG Guidelines, 2015. Collection method: clinical testing. Allele origin: germline.

Color Diagnostics, LLC DBA Color Health
Classification: Likely benign for Malignant hyperthermia, susceptibility to, 1. Last evaluated: 2022-09-16. Review status: criteria provided, single submitter. Criteria: ACMG Guidelines, 2015. Collection method: clinical testing. Allele origin: germline.

GeneDx
Classification: Likely benign. Last evaluated: 2016-01-20. Review status: criteria provided, single submitter. Criteria: GeneDx Variant Classification (06012015). Collection method: clinical testing. Allele origin: germline. Affected: yes.
Comment: This variant is considered likely benign or benign based on one or more of the following criteria: it is a conservative change, it occurs at a poorly conserved position in the protein, it is predicted to be benign by multiple in silico algorithms, and/or has population frequency not consistent with disease.